The following is an entry in ClinVar:

ClinVar aggregate classification (germline): Uncertain significance. Review status: criteria provided, multiple submitters, no conflicts (2 of 4 stars). 2 submissions from 2 submitters: Uncertain significance (2). Last evaluated 2023-08-04.

Conditions:
Autosomal recessive spinocerebellar ataxia 12. Also called: SPINOCEREBELLAR ATAXIA WITH MENTAL RETARDATION AND EPILEPSY. Identifiers: Orphanet 284282, MedGen C3280452, MONDO:0013687, OMIM 614322.
Developmental and epileptic encephalopathy, 1 (DEE1). Also called: Epileptic encephalopathy, early infantile, 1; X-linked infantile spasms; West's syndrome; Tonic spasms with clustering, arrest of psychomotor development and hypsarrhythmia on EEG; X-Linked Infantile Spasm Syndrome; OHTAHARA SYNDROME, X-LINKED. Identifiers: MedGen C3463992, MONDO:0010632, OMIM 308350. Disease mechanism: loss of function.

Allele frequency attached by ClinVar (database versions not stated): gnomAD exomes below 0.00001.
gnomAD v4.1: 10 of 1,614,054 alleles (0.00062%); highest among the groups gnomAD compares: South Asian, 0.0055%; no homozygotes.

Submissions (2):

Labcorp Genetics (formerly Invitae), Labcorp
Classification: Uncertain significance for Developmental and epileptic encephalopathy, 1; Autosomal recessive spinocerebellar ataxia 12. Last evaluated: 2023-08-04. Review status: criteria provided, single submitter. Criteria: Invitae Variant Classification Sherloc (09022015). Collection method: clinical testing. Allele origin: germline.
Comment: In summary, the available evidence is currently insufficient to determine the role of this variant in disease. Therefore, it has been classified as a Variant of Uncertain Significance. Advanced modeling of protein sequence and biophysical properties (such as structural, functional, and spatial information, amino acid conservation, physicochemical variation, residue mobility, and thermodynamic stability) performed at Invitae indicates that this missense variant is expected to disrupt WWOX protein function. ClinVar contains an entry for this variant (Variation ID: 1511373). This variant has not been reported in the literature in individuals affected with WWOX-related conditions. This variant is present in population databases (no rsID available, gnomAD 0.003%). This sequence change replaces aspartic acid, which is acidic and polar, with valine, which is neutral and non-polar, at codon 223 of the WWOX protein (p.Asp223Val).

Blueprint Genetics
Classification: Uncertain significance. Last evaluated: 2020-01-28. Review status: criteria provided, single submitter. Criteria: ACMG Guidelines, 2015. Collection method: clinical testing. Allele origin: germline.

NM_016373.4(WWOX):c.668A>T (p.Asp223Val)

Gene: WWOX (WW domain containing oxidoreductase; plus strand). Cytogenetic location: 16q23.1.
Variant type: single nucleotide variant.
Coding change: c.668A>T on transcript NM_016373.4 (MANE Select); coding-DNA position 668, A replaced by T.
Protein change: p.Asp223Val; replaces aspartic acid 223 with valine.
Molecular consequence: missense variant.
Genome position (GRCh38, 1-based): chr16:78,424,932, A>T. VCF-style: chr16-78424932-A-T. GRCh37 (hg19) VCF-style: chr16-78458829-A-T.
Other names: c.329A>T, p.Asp110Val (NM_001291997.2); short protein forms D223V, D110V.
Identifiers: ClinVar variation 1511373 (VCV001511373.6), dbSNP rs1392246150, ClinGen allele CA396842784.
Genomic context (GRCh38, chr16:78,424,932, plus strand): 5'-CTCTTCATGTGCTTGTGTGCAACGCAGCAACTTTTGCTCTACCCTGGAGTCTCACCAAAG[A>T]TGGCCTGGAGACCACCTTTCAAGTGAATCATCTGGGGCACTTCTACCTTGTCCAGCTCCT-3'
Protein context (NP_057457.1, residues 213-233): TFALPWSLTK[Asp223Val]GLETTFQVNH